The following is an entry in ClinVar:

NM_001127222.2(CACNA1A):c.4915G>A (p.Gly1639Ser)

Gene: CACNA1A (calcium voltage-gated channel subunit alpha1 A; minus strand). Cytogenetic location: 19p13.13.
Variant type: single nucleotide variant.
Coding change: c.4915G>A on transcript NM_001127222.2 (MANE Select); coding-DNA position 4915, G replaced by A.
Protein change: p.Gly1639Ser; replaces glycine 1639 with serine.
Molecular consequence: missense variant.
Genome position (GRCh38, 1-based): chr19:13,245,217, C>T on the plus strand (G>A on the coding strand, the complement: CACNA1A is on the minus strand). VCF-style: chr19-13245217-C-T. GRCh37 (hg19) VCF-style: chr19-13356031-C-T.
Other names: c.4927G>A, p.Gly1643Ser (NM_000068.4, NM_023035.3); c.4918G>A, p.Gly1640Ser (NM_001127221.2, NM_001174080.2); short protein forms G1639S, G1640S, G1643S.
Identifiers: ClinVar variation 3776312 (VCV003776312.1).

ClinVar aggregate classification (germline): Uncertain significance (1 of 4 stars; one submission).

Conditions:
Developmental and epileptic encephalopathy, 42 (DEE42A). Also called: Epileptic encephalopathy, early infantile, 42; DEVELOPMENTAL AND EPILEPTIC ENCEPHALOPATHY 42A; EPILEPTIC ENCEPHALOPATHY, EARLY INFANTILE, 42A. Identifiers: MedGen C4310716, MONDO:0014917, OMIM 617106.

Submission:

Institute of Human Genetics, University of Goettingen
Classification: Uncertain significance for Developmental and epileptic encephalopathy, 42. Last evaluated: 2025-03-24. Review status: criteria provided, single submitter. Criteria: ACMG Guidelines, 2015. Collection method: clinical testing. Allele origin: germline. Observed: 1 heterozygote.
Comment: The missense variant was identified in the Het state in the CACNA1A gene. This variant leads to p.Gly1640Ser. In silico tools predict this variant to be damaging. The conservation at this position is high. The splice prediction at this position is low. This variant has not been seen previously in our laboratory. The variant is absent from ClinVar, and absent from HGMD. This variant is reported in gnomAD (MAF 0). This variant is not present in the homozygous state in gnomAD. According to the ACMG guidelines, the variant is classified as Uncertain significance. Based on the above information, the variant is predicted to be VUS for this patient.